The following is an entry in ClinVar:

ClinVar aggregate classification (germline): Likely benign. Review status: criteria provided, multiple submitters, no conflicts (2 of 4 stars). 2 submissions from 2 submitters: Likely benign (2). Last evaluated 2022-03-05.

Conditions:
Muscular dystrophy-dystroglycanopathy (congenital with brain and eye anomalies), type A14. Also called: Congenital Muscular Dystrophy-Dystroglycanopathy with Brain and Eye Anomalies Type A 14; Congenital muscular dystrophy-dystroglycanopathy with brain and eye anomalies, type A14; Muscular dystrophy-dystroglycanopathy (congenital with brain and eye anomalies), type a, 14; WALKER-WARBURG SYNDROME OR MUSCLE-EYE-BRAIN DISEASE, GMPPB-RELATED. Identifiers: Orphanet 588, MedGen C3809216, MONDO:0014140, OMIM 615350.
Muscular dystrophy-dystroglycanopathy (congenital with impaired intellectual development), type B, 14. Also called: Congenital muscular dystrophy-dystroglycanopathy with mental retardation, type B14; MUSCULAR DYSTROPHY, CONGENITAL, GMPPB-RELATED; Muscular dystrophy-dystroglycanopathy (congenital with intellectual disability), type B14. Identifiers: MedGen C3809221, MONDO:0014141, OMIM 615351.
Autosomal recessive limb-girdle muscular dystrophy type 2T. Also called: Limb-girdle muscular dystrophy-dystroglycanopathy, type C14; MUSCULAR DYSTROPHY-DYSTROGLYCANOPATHY, LIMB-GIRDLE, GMPPB-RELATED; MUSCULAR DYSTROPHY, LIMB-GIRDLE, TYPE 2T; Muscular dystrophy-dystroglycanopathy (limb-girdle), type c, 14. Identifiers: Orphanet 363623, MedGen C4518000, MONDO:0014142, OMIM 615352.

Allele frequency attached by ClinVar (database versions not stated): gnomAD exomes below 0.00001; TOPMed 0.00001; gnomAD 0.00001.
gnomAD v4.1: 4 of 1,613,866 alleles (0.00025%); highest among the groups gnomAD compares: African/African-American, 0.0053%; no homozygotes.

Submissions (2):

Labcorp Genetics (formerly Invitae), Labcorp
Classification: Likely benign for Autosomal recessive limb-girdle muscular dystrophy type 2T; Muscular dystrophy-dystroglycanopathy (congenital with brain and eye anomalies), type A14; Muscular dystrophy-dystroglycanopathy (congenital with impaired intellectual development), type B, 14. Last evaluated: 2022-03-05. Review status: criteria provided, single submitter. Criteria: Invitae Variant Classification Sherloc (09022015). Collection method: clinical testing. Allele origin: germline.

GeneDx
Classification: Likely benign. Last evaluated: 2018-06-01. Review status: criteria provided, single submitter. Criteria: GeneDx Variant Classification (06012015). Collection method: clinical testing. Allele origin: germline. Affected: yes.
Comment: This variant is considered likely benign or benign based on one or more of the following criteria: it is a conservative change, it occurs at a poorly conserved position in the protein, it is predicted to be benign by multiple in silico algorithms, and/or has population frequency not consistent with disease.

NM_021971.4(GMPPB):c.640+19A>G

Gene: GMPPB (GDP-mannose pyrophosphorylase B; minus strand). Cytogenetic location: 3p21.31.
Variant type: single nucleotide variant.
Coding change: c.640+19A>G on transcript NM_021971.4 (MANE Select); 19 bases into the intron after coding-DNA position 640, A replaced by G.
Molecular consequence: intron variant.
Genome position (GRCh38, 1-based): chr3:49,722,413, T>C on the plus strand (A>G on the coding strand, the complement: GMPPB is on the minus strand). VCF-style: chr3-49722413-T-C. GRCh37 (hg19) VCF-style: chr3-49759846-T-C.
Other names: c.640+19A>G (NM_013334.4).
Identifiers: ClinVar variation 669081 (VCV000669081.6), dbSNP rs1472999197, ClinGen allele CA543050864.
Genomic context (GRCh38, chr3:49,722,413, plus strand): 5'-AGAAGCCTGTAGGGAGGGATGCATCAGGGGCCTCAGCCCAGCCACAGACCACCCCCACCC[T>C]GTGGCCTCCCTGCCTCACCCTGTAACTCCATGGCATATAGCTGCCCCTCCTTGGCCATAA-3'